The following is an entry in ClinVar:

NM_022367.4(SEMA4A):c.494C>T (p.Ser165Leu)

Gene: SEMA4A (semaphorin 4A; plus strand). Cytogenetic location: 1q22.
Variant type: single nucleotide variant.
Coding change: c.494C>T on transcript NM_022367.4 (MANE Select); coding-DNA position 494, C replaced by T.
Protein change: p.Ser165Leu; replaces serine 165 with leucine.
Molecular consequence: missense variant. On other transcripts: 5 prime UTR variant (2).
Genome position (GRCh38, 1-based): chr1:156,158,750, C>T. VCF-style: chr1-156158750-C-T. GRCh37 (hg19) VCF-style: chr1-156128541-C-T.
Other names: c.494C>T, p.Ser165Leu (NM_001193300.2, NM_001193301.2, NM_001370567.1); c.98C>T, p.Ser33Leu (NM_001193302.2); c.197C>T, p.Ser66Leu (NM_001370568.1); c.-14C>T (NM_001370569.1, NM_001370571.1); short protein forms S165L, S66L, S33L.
Identifiers: ClinVar variation 292847 (VCV000292847.37), dbSNP rs201943133, ClinGen allele CA1155056.

ClinVar aggregate classification (germline): Conflicting classifications of pathogenicity. Review status: criteria provided, conflicting classifications (1 of 4 stars). 8 submissions from 6 submitters: Uncertain significance (6); Likely benign (1). 1 of the submissions does not count toward it. Last evaluated 2025-09-02.

Conditions:
Retinal dystrophy. Also called: Inherited retinal dystrophy. Identifiers: Orphanet 71862, MedGen C0854723, MeSH D058499, MONDO:0019118, HP:0000556.
Retinitis pigmentosa (RP). Identifiers: Orphanet 791, MedGen C0035334, MeSH D012174, MONDO:0019200, OMIM 268000. Inheritance: Autosomal dominant, autosomal recessive and X linked inheritance.
Retinitis pigmentosa 35 (RP35). Identifiers: Orphanet 791, MedGen C1853214, MONDO:0012463, OMIM 610282.
Cone-rod dystrophy 10 (CORD10). Identifiers: Orphanet 1872, MedGen C1846529, MONDO:0012464, OMIM 610283.

Allele frequency attached by ClinVar (database versions not stated): ExAC 0.00003; gnomAD exomes 0.00005 and 0.00006; TOPMed 0.00006; gnomAD 0.00007 and 0.00008; 1000 Genomes Project 30x 0.00016; 1000 Genomes Project 0.00020; ESP Exome Variant Server 0.00023.
gnomAD v4.1: 87 of 1,614,032 alleles (0.0054%); highest among the groups gnomAD compares: East Asian, 0.016%; no homozygotes.

Submissions (8):

Labcorp Genetics (formerly Invitae), Labcorp
Classification: Uncertain significance. Last evaluated: 2025-09-02. Review status: criteria provided, single submitter. Criteria: Invitae Variant Classification Sherloc (09022015). Collection method: clinical testing. Allele origin: germline.
Comment: This sequence change replaces serine, which is neutral and polar, with leucine, which is neutral and non-polar, at codon 165 of the SEMA4A protein (p.Ser165Leu). This variant is present in population databases (rs201943133, gnomAD 0.02%). This variant has not been reported in the literature in individuals affected with SEMA4A-related conditions. ClinVar contains an entry for this variant (Variation ID: 292847). An algorithm developed to predict the effect of missense changes on protein structure and function outputs the following: PolyPhen-2: "Benign". The leucine amino acid residue is found in multiple mammalian species, which suggests that this missense change does not adversely affect protein function. In summary, the available evidence is currently insufficient to determine the role of this variant in disease. Therefore, it has been classified as a Variant of Uncertain Significance.

Blueprint Genetics
Classification: Likely benign. Last evaluated: 2024-05-30. Review status: criteria provided, single submitter. Criteria: ACMG Guidelines, 2015. Collection method: clinical testing. Allele origin: germline.

CeGaT Center for Human Genetics Tuebingen
Classification: Uncertain significance. Last evaluated: 2024-01-01. Review status: criteria provided, single submitter. Criteria: CeGaT Center For Human Genetics Tuebingen Variant Classification Criteria Version 2. Collection method: clinical testing. Allele origin: germline. Affected: yes. Observed: 1 variant allele.
Comment: SEMA4A: PM2, BP4

Genome-Nilou Lab
Classification: Uncertain significance for Cone-rod dystrophy 10. Last evaluated: 2023-04-11. Review status: criteria provided, single submitter. Criteria: ACMG Guidelines, 2015. Collection method: clinical testing. Allele origin: germline. Affected: no.

Genome-Nilou Lab
Classification: Uncertain significance for Retinitis pigmentosa 35. Last evaluated: 2023-04-11. Review status: criteria provided, single submitter. Criteria: ACMG Guidelines, 2015. Collection method: clinical testing. Allele origin: germline. Affected: no.

Illumina Laboratory Services, Illumina
Classification: Uncertain significance for Cone-rod dystrophy 10. Last evaluated: 2018-01-13. Review status: criteria provided, single submitter. Criteria: ICSL Variant Classification Criteria 13 December 2019. Collection method: clinical testing. Allele origin: germline.

Illumina Laboratory Services, Illumina
Classification: Uncertain significance for Retinitis pigmentosa. Last evaluated: 2018-01-13. Review status: criteria provided, single submitter. Criteria: ICSL Variant Classification Criteria 13 December 2019. Collection method: clinical testing. Allele origin: germline.

Institute of Human Genetics, Univ. Regensburg, Univ. Regensburg
Classification: Uncertain significance for Retinal dystrophy. Last evaluated: 2012-01-01. Review status: no assertion criteria provided. Criteria: ACMG Guidelines, 2015. Collection method: clinical testing. Allele origin: germline. Affected: yes. Not counted in ClinVar's aggregate classification.